The following is an entry in ClinVar:

ClinVar aggregate classification (germline): Benign. Review status: criteria provided, multiple submitters, no conflicts (2 of 4 stars). 5 submissions from 5 submitters: Benign (4). 1 of the submissions does not count toward it. Last evaluated 2021-07-10.

Conditions:
Primary hyperoxaluria, type I (HP1). Also called: GLYCOLIC ACIDURIA; HEPATIC AGT DEFICIENCY; OXALOSIS I; Primary hyperoxaluria type 1. Identifiers: Orphanet 416, Orphanet 93598, MedGen C0268164, MONDO:0009823, OMIM 259900. Disease mechanism: loss of function.

Allele frequency attached by ClinVar (database versions not stated): 1000 Genomes Project 30x 0.24781; 1000 Genomes Project 0.25220; TOPMed 0.29184; ESP Exome Variant Server 0.30447; gnomAD 0.30681 and 0.30802; gnomAD exomes 0.33174 and 0.37847; ExAC 0.35720.
gnomAD v4.1: 566,812 of 1,530,324 alleles (37%); highest among the groups gnomAD compares: Non-Finnish European, 40%; 108,657 homozygotes.

Submissions (5):

Genome-Nilou Lab
Classification: Benign for Primary hyperoxaluria, type I. Last evaluated: 2021-07-10. Review status: criteria provided, single submitter. Criteria: ACMG Guidelines, 2015. Collection method: clinical testing. Allele origin: germline. Affected: no.

GeneDx
Classification: Benign. Last evaluated: 2018-08-07. Review status: criteria provided, single submitter. Criteria: GeneDx Variant Classification Process June 2021. Collection method: clinical testing. Allele origin: germline. Affected: yes.

Illumina Laboratory Services, Illumina
Classification: Benign for Primary hyperoxaluria, type I. Last evaluated: 2018-01-12. Review status: criteria provided, single submitter. Criteria: ICSL Variant Classification Criteria 13 December 2019. Collection method: clinical testing. Allele origin: germline.
Comment: This variant was observed in the ICSL laboratory as part of a predisposition screen in an ostensibly healthy population. It had not been previously curated by ICSL or reported in the Human Gene Mutation Database (HGMD: prior to June 1st, 2018), and was therefore a candidate for classification through an automated scoring system. Utilizing variant allele frequency, disease prevalence and penetrance estimates, and inheritance mode, an automated score was calculated to assess if this variant is too frequent to cause the disease. Based on the score and internal cut-off values, a variant classified as benign is not then subjected to further curation. The score for this variant resulted in a classification of benign for this disease.

Breakthrough Genomics
Classification: Benign. Review status: criteria provided, single submitter. Criteria: ACMG Guidelines, 2015. Collection method: not provided. Allele origin: germline. Inheritance: Autosomal recessive inheritance. Affected: yes.

Clinical Biochemistry Laboratory, Health Services Laboratory
Classification: Uncertain significance for Primary hyperoxaluria, type I. Last evaluated: 2014-11-27. Review status: no assertion criteria provided. Collection method: research. Allele origin: germline. Affected: yes. Not counted in ClinVar's aggregate classification.

Literature cited by the submitters: PubMed 9192270 (cited by Clinical Biochemistry Laboratory, Health Services Laboratory).

NM_000030.3(AGXT):c.*41C>A

Gene: AGXT (alanine--glyoxylate aminotransferase; plus strand). Cytogenetic location: 2q37.3.
Variant type: single nucleotide variant.
Coding change: c.*41C>A on transcript NM_000030.3 (MANE Select); 41 bases downstream of the stop codon, C replaced by A.
Molecular consequence: 3 prime UTR variant.
Genome position (GRCh38, 1-based): chr2:240,878,862, C>A. VCF-style: chr2-240878862-C-A. GRCh37 (hg19) VCF-style: chr2-241818279-C-A.
Identifiers: ClinVar variation 204063 (VCV000204063.13), dbSNP rs4273214, ClinGen allele CA275611.